The following is an entry in ClinVar:

ClinVar aggregate classification (germline): Uncertain significance. Review status: criteria provided, multiple submitters, no conflicts (2 of 4 stars). 2 submissions from 2 submitters: Uncertain significance (2). Last evaluated 2025-08-11.

Conditions:
Inborn genetic diseases. Identifiers: MedGen C0950123, MeSH D030342.
Axenfeld-Rieger syndrome type 3 (RIEG3). Also called: AXENFELD-RIEGER ANOMALY WITH CARDIAC DEFECTS AND/OR SENSORINEURAL HEARING LOSS. Identifiers: Orphanet 782, MedGen C2678503, MONDO:0011233, OMIM 602482.

Allele frequency attached by ClinVar (database versions not stated): TOPMed 0.00002; gnomAD 0.00003; 1000 Genomes Project 30x 0.00031.
gnomAD v4.1: 7 of 1,268,196 alleles (0.00055%); highest among the groups gnomAD compares: African/African-American, 0.0063%; no homozygotes.

Submissions (2):

Ambry Genetics
Classification: Uncertain significance for Inborn genetic diseases. Last evaluated: 2025-08-11. Review status: criteria provided, single submitter. Criteria: Ambry Variant Classification Scheme 2023. Collection method: clinical testing. Allele origin: germline.

Labcorp Genetics (formerly Invitae), Labcorp
Classification: Uncertain significance for Axenfeld-Rieger syndrome type 3. Last evaluated: 2022-04-22. Review status: criteria provided, single submitter. Criteria: Invitae Variant Classification Sherloc (09022015). Collection method: clinical testing. Allele origin: germline.
Comment: In summary, the available evidence is currently insufficient to determine the role of this variant in disease. Therefore, it has been classified as a Variant of Uncertain Significance. Algorithms developed to predict the effect of missense changes on protein structure and function are either unavailable or do not agree on the potential impact of this missense change (SIFT: "Deleterious"; PolyPhen-2: "Possibly Damaging"; Align-GVGD: "Class C0"). This variant has not been reported in the literature in individuals affected with FOXC1-related conditions. This variant is present in population databases (no rsID available, gnomAD 0.02%). This sequence change replaces serine, which is neutral and polar, with isoleucine, which is neutral and non-polar, at codon 366 of the FOXC1 protein (p.Ser366Ile).

NM_001453.3(FOXC1):c.1097G>T (p.Ser366Ile)

Gene: FOXC1 (forkhead box C1; plus strand). Cytogenetic location: 6p25.3.
Variant type: single nucleotide variant.
Coding change: c.1097G>T on transcript NM_001453.3 (MANE Select); coding-DNA position 1097, G replaced by T.
Protein change: p.Ser366Ile; replaces serine 366 with isoleucine.
Molecular consequence: missense variant.
Genome position (GRCh38, 1-based): chr6:1,611,542, G>T. VCF-style: chr6-1611542-G-T. GRCh37 (hg19) VCF-style: chr6-1611777-G-T.
Other names: c.1097G>T (NM_001453.2); short protein forms S366I.
Identifiers: ClinVar variation 2183575 (VCV002183575.5), dbSNP rs1236568059, ClinGen allele CA362560208.